The following is an entry in ClinVar:

ClinVar aggregate classification (germline): Benign (0 of 4 stars; one submission).

Conditions:
NEPRO-related disorder. Also called: NEPRO-related condition.

Allele frequency attached by ClinVar (database versions not stated): ExAC 0.00130; ESP Exome Variant Server 0.00323; gnomAD 0.00429; 1000 Genomes Project 0.00519; 1000 Genomes Project 30x 0.00578.
gnomAD v4.1: 1,364 of 1,613,318 alleles (0.085%); highest among the groups gnomAD compares: African/African-American, 1.6%; 10 homozygotes.

Submission:

PreventionGenetics, part of Exact Sciences
Classification: Benign for NEPRO-related condition. Last evaluated: 2019-10-28. Review status: no assertion criteria provided. Collection method: clinical testing. Allele origin: germline.
Comment: This variant is classified as benign based on ACMG/AMP sequence variant interpretation guidelines (Richards et al. 2015 PMID: 25741868, with internal and published modifications).

NM_015412.4(RMP64):c.91C>T (p.Pro31Ser)

Genes: NEPRO-AS1 (NEPRO antisense RNA 1; plus strand), RMP64 (ribonuclease MRP subunit p64; minus strand). Cytogenetic location: 3q13.2.
Variant type: single nucleotide variant.
Coding change: c.91C>T on transcript NM_015412.4 (MANE Select); coding-DNA position 91, C replaced by T.
Protein change: p.Pro31Ser; replaces proline 31 with serine.
Molecular consequence: missense variant. On other transcripts: non-coding transcript variant (14), 5 prime UTR variant (5).
Genome position (GRCh38, 1-based): chr3:113,019,557, G>A on the plus strand (C>T on the coding strand, the complement: RMP64 is on the minus strand). VCF-style: chr3-113019557-G-A. GRCh37 (hg19) VCF-style: chr3-112738404-G-A.
Other names: c.91C>T, p.Pro31Ser (NM_001319109.2); c.-46C>T (NM_001319110.2, NM_001319112.2, NM_001319115.2); c.-123C>T (NM_001319111.2); c.-167C>T (NM_001319114.2); short protein forms P31S.
Identifiers: ClinVar variation 3037671 (VCV003037671.2), dbSNP rs147428207, ClinGen allele CA2542303.
Genomic context (GRCh38, chr3:113,019,557, plus strand): 5'-CTCCCCCGGAAACGTTCCCCCATCCTCGCCCGGCGCCTCACTCACCAAGGGCCGCGCCGG[G>A]GTTCTGCACTGTCACTGCGCTGCGGTTCCCCGCCTTAGGGATTCTCACACGGTTCCACGG-3'
Protein context (NP_056227.2, residues 21-41): GNRSAVTVQN[Pro31Ser]GAALDLCIAA